The following is an entry in ClinVar:

ClinVar aggregate classification (germline): Conflicting classifications of pathogenicity. Review status: criteria provided, conflicting classifications (1 of 4 stars). 3 submissions from 3 submitters: Uncertain significance (1); Benign (2). Last evaluated 2024-07-31.

Conditions:
Woodhouse-Sakati syndrome. Also called: Hypogonadism, Alopecia, Diabetes Mellitus, Mental Retardation, and Extrapyramidal Syndrome; Hypogonadism, diabetes mellitus, alopecia, mental retardation and electrocardiographic abnormalities; EXTRAPYRAMIDAL DISORDER, PROGRESSIVE, WITH PRIMARY HYPOGONADISM, MENTAL RETARDATION, AND ALOPECIA. Identifiers: Orphanet 3464, MedGen C0342286, MONDO:0009419, OMIM 241080.

Submissions (3):

Unidad de Genómica Garrahan, Hospital de Pediatría Garrahan
Classification: Benign. Last evaluated: 2024-07-31. Review status: criteria provided, single submitter. Criteria: ACMG Guidelines, 2015. Collection method: clinical testing. Allele origin: germline. Affected: no. Observed: 43 variant alleles.
Comment: This variant is classified as Benign based on local population frequency. This variant was detected in 46% of patients studied in a panel designed for Epileptic and Developmental Encephalopathy, Progressive Myoclonus Epilepsy and Abnormal Movements and Neurodegeneration with brain iron accumulation. Number of patients: 43. Only high quality variants are reported.

GeneDx
Classification: Benign. Last evaluated: 2020-11-20. Review status: criteria provided, single submitter. Criteria: GeneDx Variant Classification Process June 2021. Collection method: clinical testing. Allele origin: germline. Affected: yes.

Clinical Genomics, Uppaluri K&H Personalized Medicine Clinic
Classification: Uncertain significance for Woodhouse-Sakati syndrome. Review status: criteria provided, single submitter. Criteria: K & H Uppaluri Personalized Medicine Clinic Variant Classification & Assertion Criteria_Updated V.1. Collection method: research. Allele origin: unknown. Inheritance: Autosomal recessive inheritance.
Comment: Mutations in DCAF17 have been associated with a rare syndrome called Woodhouse Sakati Syndrome, which can have diabetes mellitus as one of the presentations.However no sufficient evidence is found to ascertain the role of this particular variant rs58636477, yet.

Literature cited by the submitters: PubMed 31347785 (cited by Clinical Genomics, Uppaluri K&H Personalized Medicine Clinic); PubMed 35876063 (cited by Clinical Genomics, Uppaluri K&H Personalized Medicine Clinic); PubMed 27489925 (cited by Clinical Genomics, Uppaluri K&H Personalized Medicine Clinic).

NM_025000.4(DCAF17):c.732+70del

Gene: DCAF17 (DDB1 and CUL4 associated factor 17; plus strand). Cytogenetic location: 2q31.1.
Variant type: Deletion.
Coding change: c.732+70del on transcript NM_025000.4 (MANE Select); 70 bases into the intron after coding-DNA position 732, one base deleted (T; older notation c.732+70delT).
Molecular consequence: intron variant.
Genome position (GRCh38, 1-based): chr2:171,458,145, T deleted; the last of 11 consecutive T bases (chr2:171,458,135-171,458,145); deleting any one gives the same sequence. VCF-style (leftmost placement, unchanged base first): chr2-171458134-AT-A. GRCh37 (hg19) VCF-style: chr2-172314644-AT-A.
Other names: c.732+70del (NM_001164821.2).
Identifiers: ClinVar variation 1268610 (VCV001268610.4), dbSNP rs58636477, ClinGen allele CA60636730.